The following is an entry in ClinVar:

ClinVar aggregate classification (germline): Uncertain significance (1 of 4 stars; one submission).

Conditions:
PRPH2-related disorder. Also called: PRPH2-related disorders; PRPH2-related condition. Identifiers: MedGen CN239395.

gnomAD v4.1: 2 of 1,614,110 alleles (0.00012%); highest among the groups gnomAD compares: Non-Finnish European, 0.00017%; no homozygotes.

Submission:

Labcorp Genetics (formerly Invitae), Labcorp
Classification: Uncertain significance for PRPH2-related disorder. Last evaluated: 2021-03-03. Review status: criteria provided, single submitter. Criteria: Invitae Variant Classification Sherloc (09022015). Collection method: clinical testing. Allele origin: germline.
Comment: This sequence change replaces alanine with proline at codon 116 of the PRPH2 protein (p.Ala116Pro). The alanine residue is moderately conserved and there is a small physicochemical difference between alanine and proline. This variant is not present in population databases (ExAC no frequency). This variant has not been reported in the literature in individuals with PRPH2-related conditions. Advanced modeling of protein sequence and biophysical properties (such as structural, functional, and spatial information, amino acid conservation, physicochemical variation, residue mobility, and thermodynamic stability) performed at Invitae indicates that this missense variant is expected to disrupt PRPH2 protein function. In summary, the available evidence is currently insufficient to determine the role of this variant in disease. Therefore, it has been classified as a Variant of Uncertain Significance.

NM_000322.5(PRPH2):c.346G>C (p.Ala116Pro)

Gene: PRPH2 (peripherin 2; minus strand). Cytogenetic location: 6p21.1.
Variant type: single nucleotide variant.
Coding change: c.346G>C on transcript NM_000322.5 (MANE Select); coding-DNA position 346, G replaced by C.
Protein change: p.Ala116Pro; replaces alanine 116 with proline.
Molecular consequence: missense variant.
Genome position (GRCh38, 1-based): chr6:42,721,989, C>G on the plus strand (G>C on the coding strand, the complement: PRPH2 is on the minus strand). VCF-style: chr6-42721989-C-G. GRCh37 (hg19) VCF-style: chr6-42689727-C-G.
Other names: short protein forms A116P.
Identifiers: ClinVar variation 1376625 (VCV001376625.8), dbSNP rs140227298, ClinGen allele CA364137751.